The following is an entry in ClinVar:

ClinVar aggregate classification (germline): Conflicting classifications of pathogenicity. Review status: criteria provided, conflicting classifications (1 of 4 stars). 4 submissions from 2 submitters: Uncertain significance (3); Benign (1). Last evaluated 2022-07-01.

Conditions:
Nephrotic syndrome, type 4 (NPHS4). Also called: Familial mesangial sclerosis; Nephrotic syndrome, early onset with diffuse mesangial sclerosis. Identifiers: Orphanet 656, MedGen C3151568, MONDO:0009733, OMIM 256370.
Meacham syndrome. Also called: Meacham Winn Culler syndrome. Identifiers: Orphanet 3097, MedGen C1837026, MONDO:0012164, OMIM 608978.
Wilms tumor 1 (WT1). Also called: Wilms tumor, somatic. Identifiers: Orphanet 654, MedGen CN033288, MONDO:0008679, OMIM 194070.

Allele frequency attached by ClinVar (database versions not stated): gnomAD exomes 0.00039; 1000 Genomes Project 30x 0.00016; gnomAD 0.00019; TOPMed 0.00027.
gnomAD v4.1: 69 of 243,062 alleles (0.028%); highest among the groups gnomAD compares: Middle Eastern, 0.12%; no homozygotes.

Submissions (4):

CeGaT Center for Human Genetics Tuebingen
Classification: Benign. Last evaluated: 2022-07-01. Review status: criteria provided, single submitter. Criteria: CeGaT Center For Human Genetics Tuebingen Variant Classification Criteria Version 2. Collection method: clinical testing. Allele origin: germline. Affected: yes. Observed: 1 variant allele.
Comment: WT1: BS1, BS2

Illumina Laboratory Services, Illumina
Classification: Uncertain significance for Wilms tumor 1. Last evaluated: 2018-01-12. Review status: criteria provided, single submitter. Criteria: ICSL Variant Classification Criteria 13 December 2019. Collection method: clinical testing. Allele origin: germline.

Illumina Laboratory Services, Illumina
Classification: Uncertain significance for Meacham syndrome. Last evaluated: 2018-01-12. Review status: criteria provided, single submitter. Criteria: ICSL Variant Classification Criteria 13 December 2019. Collection method: clinical testing. Allele origin: germline.

Illumina Laboratory Services, Illumina
Classification: Uncertain significance for Nephrotic syndrome, type 4. Last evaluated: 2018-01-12. Review status: criteria provided, single submitter. Criteria: ICSL Variant Classification Criteria 13 December 2019. Collection method: clinical testing. Allele origin: germline.

NM_024426.6(WT1):c.*534C>T

Gene: WT1 (WT1 transcription factor; minus strand). Cytogenetic location: 11p13.
Variant type: single nucleotide variant.
Coding change: c.*534C>T on transcript NM_024426.6 (MANE Select); 534 bases downstream of the stop codon, C replaced by T.
Molecular consequence: 3 prime UTR variant. On other transcripts: non-coding transcript variant (1).
Genome position (GRCh38, 1-based): chr11:32,388,524, G>A on the plus strand (C>T on the coding strand, the complement: WT1 is on the minus strand). VCF-style: chr11-32388524-G-A. GRCh37 (hg19) VCF-style: chr11-32410070-G-A.
Other names: c.*534C>T (NM_000378.6, NM_001198551.2, NM_001198552.2 and 11 more transcripts).
Identifiers: ClinVar variation 304402 (VCV000304402.30), dbSNP rs868546165, ClinGen allele CA10638318.
Genomic context (GRCh38, chr11:32,388,524, plus strand): 5'-AGCTGCTTGAAATGCATGAGCTTTAAAAGTTGCCTGGCAGAACTACATCCTGCTTTCCAG[G>A]TTAGCAGCCTGGCTGACCTCGGGAATGTTAGACAAGATTCACCCCCGATGCCTTGCTCTC-3'